The following is an entry in ClinVar:

NM_001197104.2(KMT2A):c.3156+6C>G

Gene: KMT2A (lysine methyltransferase 2A; plus strand). Cytogenetic location: 11q23.3.
Variant type: single nucleotide variant.
Coding change: c.3156+6C>G on transcript NM_001197104.2 (MANE Select); 6 bases into the intron after coding-DNA position 3156, C replaced by G.
Molecular consequence: intron variant.
Genome position (GRCh38, 1-based): chr11:118,474,321, C>G. VCF-style: chr11-118474321-C-G. GRCh37 (hg19) VCF-style: chr11-118345036-C-G.
Other names: c.3255+6C>G (NM_001412597.1); c.3156+6C>G (NM_005933.4).
Identifiers: ClinVar variation 2817296 (VCV002817296.3), dbSNP rs182756704, ClinGen allele CA229522269.
Genomic context (GRCh38, chr11:118,474,321, plus strand): 5'-CTGCAAGATTGAGAAGAGTAAGAGTCTTAAACAAACCGACCAGCCCAAAGCACAGGTACT[C>G]TTTTCCACCTTGCCTATTAAAACTAACAGTTTATTGAGCCCTTTCTATGGGCAAGTTTTA-3'

ClinVar aggregate classification (germline): Uncertain significance (1 of 4 stars; one submission).

Allele frequency attached by ClinVar (database versions not stated): gnomAD exomes below 0.00001; gnomAD 0.00001; 1000 Genomes Project 30x 0.00016; 1000 Genomes Project 0.00020.
gnomAD v4.1: 3 of 1,610,020 alleles (0.00019%); highest among the groups gnomAD compares: Non-Finnish European, 0.00025%; no homozygotes.

Submission:

Labcorp Genetics (formerly Invitae), Labcorp
Classification: Uncertain significance. Last evaluated: 2024-10-25. Review status: criteria provided, single submitter. Criteria: Invitae Variant Classification Sherloc (09022015). Collection method: clinical testing. Allele origin: germline.
Comment: This sequence change falls in intron 3 of the KMT2A gene. It does not directly change the encoded amino acid sequence of the KMT2A protein. It affects a nucleotide within the consensus splice site. This variant is present in population databases (rs182756704, gnomAD 0.0009%). This variant has not been reported in the literature in individuals affected with KMT2A-related conditions. Variants that disrupt the consensus splice site are a relatively common cause of aberrant splicing (PMID: 17576681, 9536098). Algorithms developed to predict the effect of sequence changes on RNA splicing suggest that this variant is not likely to affect RNA splicing. In summary, the available evidence is currently insufficient to determine the role of this variant in disease. Therefore, it has been classified as a Variant of Uncertain Significance.

Literature cited by the submitters: PubMed 17576681; PubMed 9536098.